The following is an entry in ClinVar:

NM_206996.4(SPAG17):c.428G>A (p.Arg143Gln)

Gene: SPAG17 (sperm associated antigen 17; minus strand). Cytogenetic location: 1p12.
Variant type: single nucleotide variant.
Coding change: c.428G>A on transcript NM_206996.4 (MANE Select); coding-DNA position 428, G replaced by A.
Protein change: p.Arg143Gln; replaces arginine 143 with glutamine.
Molecular consequence: missense variant.
Genome position (GRCh38, 1-based): chr1:118,115,329, C>T on the plus strand (G>A on the coding strand, the complement: SPAG17 is on the minus strand). VCF-style: chr1-118115329-C-T. GRCh37 (hg19) VCF-style: chr1-118657952-C-T.
Other names: short protein forms R143Q.
Identifiers: ClinVar variation 3059836 (VCV003059836.2), dbSNP rs12133381, ClinGen allele CA1034599.

ClinVar aggregate classification (germline): Benign (0 of 4 stars; one submission).

Conditions:
SPAG17-related disorder. Also called: SPAG17-related condition.

Allele frequency attached by ClinVar (database versions not stated): ESP Exome Variant Server 0.04122; TOPMed 0.05030; gnomAD 0.05232; 1000 Genomes Project 30x 0.10134; 1000 Genomes Project 0.10603.

Submission:

PreventionGenetics, part of Exact Sciences
Classification: Benign for SPAG17-related condition. Last evaluated: 2019-03-01. Review status: no assertion criteria provided. Collection method: clinical testing. Allele origin: germline.
Comment: This variant is classified as benign based on ACMG/AMP sequence variant interpretation guidelines (Richards et al. 2015 PMID: 25741868, with internal and published modifications).